The following is an entry in ClinVar:

ClinVar aggregate classification (germline): Benign. Review status: criteria provided, multiple submitters, no conflicts (2 of 4 stars). 19 submissions from 19 submitters: Benign (14). 5 of the submissions do not count toward it. Last evaluated 2026-02-04.

Conditions:
Cardiovascular phenotype. Identifiers: MedGen CN230736.
Thoracic aortic aneurysm. Also called: Aneurysm of thoracic aorta. Identifiers: MedGen C0162872, MONDO:0005396, HP:0012727.
Familial thoracic aortic aneurysm and aortic dissection (TAAD). Also called: Thoracic aortic aneurysms and dissections. Identifiers: Orphanet 91387, MedGen C4707243, MONDO:0019625.
Loeys-Dietz syndrome 2 (LDS2). Also called: MARFAN SYNDROME, TYPE II; TGFBR2-Related Loeys-Dietz Syndrome; Marfan syndrome, type 2 (formerly); Marfan Syndrome type 2; Marfan like connective tissue disorder; MFS 2. Identifiers: Orphanet 284973, Orphanet 558, MedGen C2674574, MONDO:0012427, OMIM 610168.

Allele frequency attached by ClinVar (database versions not stated): ESP Exome Variant Server 0.25550; gnomAD 0.25954; TOPMed 0.26951; 1000 Genomes Project 30x 0.26968; 1000 Genomes Project 0.27196; ExAC 0.29277; gnomAD exomes 0.30040.
gnomAD v4.1: 490,968 of 1,613,682 alleles (30%); highest among the groups gnomAD compares: Admixed American, 42%; 77,185 homozygotes.

Submissions (19):

Labcorp Genetics (formerly Invitae), Labcorp
Classification: Benign for Familial thoracic aortic aneurysm and aortic dissection. Last evaluated: 2026-02-04. Review status: criteria provided, single submitter. Criteria: Invitae Variant Classification Sherloc (09022015). Collection method: clinical testing. Allele origin: germline.

ARUP Laboratories, Molecular Genetics and Genomics, ARUP Laboratories
Classification: Benign. Last evaluated: 2025-07-29. Review status: criteria provided, single submitter. Criteria: ARUP Molecular Germline Variant Investigation Process 2024. Collection method: clinical testing. Allele origin: germline.

Molecular Diagnostic Laboratory for Inherited Cardiovascular Disease, Montreal Heart Institute
Classification: Benign. Last evaluated: 2025-04-09. Review status: criteria provided, single submitter. Criteria: ACMG Guidelines, 2015. Collection method: clinical testing. Allele origin: germline. Affected: no.

Blueprint Genetics
Classification: Benign. Last evaluated: 2024-11-26. Review status: criteria provided, single submitter. Criteria: ACMG Guidelines, 2015. Collection method: clinical testing. Allele origin: germline.

Unidad de Genómica Garrahan, Hospital de Pediatría Garrahan
Classification: Benign. Last evaluated: 2024-01-24. Review status: criteria provided, single submitter. Criteria: ACMG Guidelines, 2015. Collection method: clinical testing. Allele origin: germline. Affected: no. Observed: 47 variant alleles.
Comment: This variant is classified as Benign based on local population frequency. This variant was detected in 53% of patients studied by a panel of primary immunodeficiencies. Number of patients: 47. Only high quality variants are reported.

Mayo Clinic Laboratories, Mayo Clinic
Classification: Benign. Last evaluated: 2022-09-06. Review status: criteria provided, single submitter. Criteria: ACMG Guidelines, 2015. Collection method: clinical testing. Allele origin: germline. Observed: 962 variant alleles.

CHEO Genetics Diagnostic Laboratory, Children's Hospital of Eastern Ontario
Classification: Benign for Familial thoracic aortic aneurysm and aortic dissection. Last evaluated: 2019-05-09. Review status: criteria provided, single submitter. Criteria: ACMG Guidelines, 2015. Collection method: clinical testing. Allele origin: germline.

Color Diagnostics, LLC DBA Color Health
Classification: Benign for Familial thoracic aortic aneurysm and aortic dissection. Last evaluated: 2018-03-09. Review status: criteria provided, single submitter. Criteria: ACMG Guidelines, 2015. Collection method: clinical testing. Allele origin: germline.

Illumina Laboratory Services, Illumina
Classification: Benign for Loeys-Dietz syndrome 2. Last evaluated: 2018-01-13. Review status: criteria provided, single submitter. Criteria: ICSL Variant Classification Criteria 13 December 2019. Collection method: clinical testing. Allele origin: germline.
Comment: This variant was observed in the ICSL laboratory as part of a predisposition screen in an ostensibly healthy population. It had not been previously curated by ICSL or reported in the Human Gene Mutation Database (HGMD: prior to June 1st, 2018), and was therefore a candidate for classification through an automated scoring system. Utilizing variant allele frequency, disease prevalence and penetrance estimates, and inheritance mode, an automated score was calculated to assess if this variant is too frequent to cause the disease. Based on the score and internal cut-off values, a variant classified as benign is not then subjected to further curation. The score for this variant resulted in a classification of benign for this disease.

Ambry Genetics
Classification: Benign for Cardiovascular phenotype. Last evaluated: 2015-02-10. Review status: criteria provided, single submitter. Criteria: Ambry Autosomal Dominant and X-Linked criteria (10/2015). Collection method: clinical testing. Allele origin: germline. Observed: 1 variant allele.
Comment: General population or subpopulation frequency is too high to be a pathogenic mutation based on disease/syndrome prevalence and penetrance

GeneDx
Classification: Benign. Last evaluated: 2012-11-20. Review status: criteria provided, single submitter. Criteria: GeneDx Variant Classification (06012015). Collection method: clinical testing. Allele origin: germline. Affected: yes.
Comment: This variant is considered likely benign or benign based on one or more of the following criteria: it is a conservative change, it occurs at a poorly conserved position in the protein, it is predicted to be benign by multiple in silico algorithms, and/or has population frequency not consistent with disease.

Laboratory for Molecular Medicine, Mass General Brigham Personalized Medicine
Classification: Benign. Last evaluated: 2011-09-19. Review status: criteria provided, single submitter. Criteria: LMM Criteria. Collection method: clinical testing. Allele origin: germline. Observed: 301 variant alleles.

Breakthrough Genomics
Classification: Benign. Review status: criteria provided, single submitter. Criteria: ACMG Guidelines, 2015. Collection method: not provided. Allele origin: germline. Inheritance: Autosomal dominant inheritance. Affected: yes.

PreventionGenetics, part of Exact Sciences
Classification: Benign. Review status: criteria provided, single submitter. Criteria: ACMG Guidelines, 2015. Collection method: clinical testing. Allele origin: germline.

Cohesion Phenomics
Classification: Benign for Thoracic aortic aneurysm. Last evaluated: 2022-09-23. Review status: no assertion criteria provided. Criteria: ACMG Guidelines, 2015. Collection method: clinical testing. Allele origin: germline. Affected: yes. Not counted in ClinVar's aggregate classification.

Clinical Genetics DNA and cytogenetics Diagnostics Lab, Erasmus MC, Erasmus Medical Center
Classification: Benign. Review status: no assertion criteria provided. Collection method: clinical testing. Allele origin: germline. Affected: yes. Study: VKGL Data-share Consensus. Not counted in ClinVar's aggregate classification.

Diagnostic Laboratory, Department of Genetics, University Medical Center Groningen
Classification: Benign. Review status: no assertion criteria provided. Collection method: clinical testing. Allele origin: germline. Affected: yes. Study: VKGL Data-share Consensus. Not counted in ClinVar's aggregate classification.

Genome Diagnostics Laboratory, Amsterdam University Medical Center
Classification: Benign. Review status: no assertion criteria provided. Collection method: clinical testing. Allele origin: germline. Affected: yes. Study: VKGL Data-share Consensus. Not counted in ClinVar's aggregate classification.

Joint Genome Diagnostic Labs from Nijmegen and Maastricht, Radboudumc and MUMC+
Classification: Benign. Review status: no assertion criteria provided. Collection method: clinical testing. Allele origin: germline. Affected: yes. Study: VKGL Data-share Consensus. Not counted in ClinVar's aggregate classification.

NM_003242.6(TGFBR2):c.455-4T>A

Gene: TGFBR2 (transforming growth factor beta receptor 2; plus strand). Cytogenetic location: 3p24.1.
Variant type: single nucleotide variant.
Coding change: c.455-4T>A on transcript NM_003242.6 (MANE Select); 4 bases into the intron before coding-DNA position 455, T replaced by A.
Molecular consequence: intron variant.
Genome position (GRCh38, 1-based): chr3:30,671,634, T>A. VCF-style: chr3-30671634-T-A. GRCh37 (hg19) VCF-style: chr3-30713126-T-A.
Other names: p.?; c.458-4T>A (NM_001407129.1); c.350-4T>A (NM_001407132.1, NM_001407136.1, NM_001407133.1 and 2 more transcripts); c.638-4T>A (NM_001407126.1); c.530-4T>A (NM_001024847.3); c.530-16753T>A (NM_001407139.1); c.170-4T>A (NM_001407137.1); c.563-4T>A (NM_001407127.1); and 3 more.
Identifiers: ClinVar variation 44658 (VCV000044658.53), dbSNP rs11466512, ClinGen allele CA020769.